The following is an entry in ClinVar:

ClinVar aggregate classification (germline): Conflicting classifications of pathogenicity. Review status: criteria provided, conflicting classifications (1 of 4 stars). 2 submissions from 2 submitters: Uncertain significance (1); Likely benign (1). Last evaluated 2024-03-12.

Conditions:
Colorectal cancer. Also called: Colorectal cancer, somatic; Malignant Colorectal Neoplasm. Identifiers: MedGen C0346629, MONDO:0005575, OMIM 114500.

Allele frequency attached by ClinVar (database versions not stated): gnomAD 0.00014; 1000 Genomes Project 30x 0.00031; 1000 Genomes Project 0.00020; TOPMed 0.00019; ExAC 0.00024.
gnomAD v4.1: 277 of 1,612,582 alleles (0.017%); highest among the groups gnomAD compares: South Asian, 0.068%; 2 homozygotes.

Submissions (3):

Fulgent Genetics
Classification: Likely benign for Colorectal cancer. Last evaluated: 2024-03-12. Review status: criteria provided, single submitter. Criteria: ACMG Guidelines, 2015. Collection method: clinical testing. Allele origin: germline.

Labcorp Genetics (formerly Invitae), Labcorp
Classification: Uncertain significance. Last evaluated: 2023-10-17. Review status: criteria provided, single submitter. Criteria: Invitae Variant Classification Sherloc (09022015). Collection method: clinical testing. Allele origin: germline.
Comment: This sequence change replaces asparagine, which is neutral and polar, with serine, which is neutral and polar, at codon 783 of the DLC1 protein (p.Asn783Ser). The frequency data for this variant in the population databases is considered unreliable, as metrics indicate poor data quality at this position in the gnomAD database. This variant has not been reported in the literature in individuals affected with DLC1-related conditions. ClinVar contains an entry for this variant (Variation ID: 2067760). Algorithms developed to predict the effect of missense changes on protein structure and function output the following: SIFT: "Not Available"; PolyPhen-2: "Benign"; Align-GVGD: "Not Available". The serine amino acid residue is found in multiple mammalian species, which suggests that this missense change does not adversely affect protein function. In summary, the available evidence is currently insufficient to determine the role of this variant in disease. Therefore, it has been classified as a Variant of Uncertain Significance.

Dr. Peter K. Rogan Lab, Western University
No classification provided (evidence only). Condition: Thyroid cancer, nonmedullary, 1. Review status: no classification provided. Collection method: in vitro. Allele origin: not applicable. Functional consequence: retained intron. Not counted in ClinVar's aggregate classification.

NM_182643.3(DLC1):c.2348A>G (p.Asn783Ser)

Gene: DLC1 (DLC1 Rho GTPase activating protein; minus strand). Cytogenetic location: 8p22.
Variant type: single nucleotide variant.
Coding change: c.2348A>G on transcript NM_182643.3 (MANE Select); coding-DNA position 2348, A replaced by G.
Protein change: p.Asn783Ser; replaces asparagine 783 with serine.
Molecular consequence: missense variant.
Genome position (GRCh38, 1-based): chr8:13,099,989, T>C on the plus strand (A>G on the coding strand, the complement: DLC1 is on the minus strand). VCF-style: chr8-13099989-T-C. GRCh37 (hg19) VCF-style: chr8-12957498-T-C.
Other names: c.815A>G, p.Asn272Ser (NM_001164271.2, NM_001348082.2, NM_001348083.1 and 6 more transcripts); c.1139A>G, p.Asn380Ser (NM_001316668.2, NM_001413129.1); c.2348A>G, p.Asn783Ser (NM_001348081.2, NM_001413124.1); c.1130A>G, p.Asn377Ser (NM_001413130.1); c.788A>G, p.Asn263Ser (NM_001413131.1, NM_001413137.1); c.1274A>G, p.Asn425Ser (NM_001413132.1); c.1037A>G, p.Asn346Ser (NM_001413135.1, NM_001413136.1, NM_001413139.1 and 1 more transcripts); c.1172A>G, p.Asn391Ser (NM_001413140.1); short protein forms N425S, N263S, N377S, N272S, N380S, N391S, N783S, N346S.
Identifiers: ClinVar variation 2067760 (VCV002067760.6), dbSNP rs139243841, ClinGen allele CA4638647.